The following is an entry in ClinVar:

ClinVar aggregate classification (germline): Pathogenic (1 of 4 stars; one submission).

Conditions:
Hereditary nonpolyposis colorectal neoplasms. Identifiers: MedGen C0009405, MeSH D003123.

Submission:

Labcorp Genetics (formerly Invitae), Labcorp
Classification: Pathogenic for Hereditary nonpolyposis colorectal neoplasms. Last evaluated: 2021-09-09. Review status: criteria provided, single submitter. Criteria: Invitae Variant Classification Sherloc (09022015). Collection method: clinical testing. Allele origin: germline.
Comment: This variant is a gross deletion of the genomic region encompassing exon(s) 3-4 of the MSH6 gene. This variant would be expected to be in-frame, preserving the integrity of the reading frame. This variant has not been reported in the literature in individuals affected with MSH6-related conditions. This variant disrupts a region of the MSH6 protein in which other variant(s) (p.Leu449Pro, p.Leu540del, p.Leu585Pro) have been determined to be pathogenic (PMID: 16283884, 22581703, 23773459, 25617771, 30374176, 30877237; Invitae). This suggests that this is a clinically significant region of the protein, and that variants that disrupt it are likely to be disease-causing. For these reasons, this variant has been classified as Pathogenic.

Literature cited by the submitters: PubMed 16283884; PubMed 22581703; PubMed 23773459; PubMed 25617771; PubMed 30374176; PubMed 30877237.

NC_000002.11:g.(?_48023023)_(48028304_?)del

Gene: MSH6 (mutS homolog 6; plus strand). Cytogenetic location: 2p16.3.
Variant type: Deletion.
Identifiers: ClinVar variation 1072677 (VCV001072677.2).